The following is an entry in ClinVar:

NM_001127222.2(CACNA1A):c.784+4G>A

Gene: CACNA1A (calcium voltage-gated channel subunit alpha1 A; minus strand). Cytogenetic location: 19p13.13.
Variant type: single nucleotide variant.
Coding change: c.784+4G>A on transcript NM_001127222.2 (MANE Select); 4 bases into the intron after coding-DNA position 784, G replaced by A.
Molecular consequence: intron variant.
Genome position (GRCh38, 1-based): chr19:13,365,313, C>T on the plus strand (G>A on the coding strand, the complement: CACNA1A is on the minus strand). VCF-style: chr19-13365313-C-T. GRCh37 (hg19) VCF-style: chr19-13476127-C-T.
Other names: c.784+4G>A (NM_001127221.2, NM_001174080.2, NM_000068.4 and 1 more transcripts).
Identifiers: ClinVar variation 2103400 (VCV002103400.4), dbSNP rs2059189254, ClinGen allele CA2323857075.

ClinVar aggregate classification (germline): Uncertain significance (1 of 4 stars; one submission).

Conditions:
Episodic ataxia type 2 (EA2). Also called: ATAXIA, EPISODIC, WITH NYSTAGMUS; ATAXIA, FAMILIAL PAROXYSMAL; CEREBELLAR ATAXIA, PAROXYSMAL, ACETAZOLAMIDE-RESPONSIVE; CEREBELLOPATHY, HEREDITARY PAROXYSMAL; EPISODIC ATAXIA, NYSTAGMUS-ASSOCIATED; ACETAZOLAMIDE-RESPONSIVE HEREDITARY PAROXYSMAL CEREBELLAR ATAXIA. Identifiers: Orphanet 97, MedGen C1720416, MONDO:0007163, OMIM 108500.
Developmental and epileptic encephalopathy, 42 (DEE42A). Also called: Epileptic encephalopathy, early infantile, 42; DEVELOPMENTAL AND EPILEPTIC ENCEPHALOPATHY 42A; EPILEPTIC ENCEPHALOPATHY, EARLY INFANTILE, 42A. Identifiers: MedGen C4310716, MONDO:0014917, OMIM 617106.

Allele frequency attached by ClinVar (database versions not stated): TOPMed below 0.00001.

Submission:

Labcorp Genetics (formerly Invitae), Labcorp
Classification: Uncertain significance for Developmental and epileptic encephalopathy, 42; Episodic ataxia type 2. Last evaluated: 2022-05-18. Review status: criteria provided, single submitter. Criteria: Invitae Variant Classification Sherloc (09022015). Collection method: clinical testing. Allele origin: germline.
Comment: This variant is not present in population databases (gnomAD no frequency). This sequence change falls in intron 5 of the CACNA1A gene. It does not directly change the encoded amino acid sequence of the CACNA1A protein. It affects a nucleotide within the consensus splice site. This variant has not been reported in the literature in individuals affected with CACNA1A-related conditions. Variants that disrupt the consensus splice site are a relatively common cause of aberrant splicing (PMID: 17576681, 9536098). Algorithms developed to predict the effect of sequence changes on RNA splicing suggest that this variant is not likely to affect RNA splicing. In summary, the available evidence is currently insufficient to determine the role of this variant in disease. Therefore, it has been classified as a Variant of Uncertain Significance.

Literature cited by the submitters: PubMed 17576681; PubMed 9536098.